The following is an entry in ClinVar:

NC_000014.8:g.(?_64458032)_(64460645_?)del

Gene: SYNE2 (spectrin repeat containing nuclear envelope protein 2; plus strand). Cytogenetic location: 14q23.2.
Variant type: Deletion.
Identifiers: ClinVar variation 2427606 (VCV002427606.4).

ClinVar aggregate classification (germline): Uncertain significance (1 of 4 stars; one submission).

Conditions:
Emery-Dreifuss muscular dystrophy 5, autosomal dominant (EDMD5). Also called: EMERY-DREIFUSS MUSCULAR DYSTROPHY 5. Identifiers: Orphanet 261, MedGen C2751805, MONDO:0013072, OMIM 612999.

Submission:

Labcorp Genetics (formerly Invitae), Labcorp
Classification: Uncertain significance for Emery-Dreifuss muscular dystrophy 5, autosomal dominant. Last evaluated: 2022-02-14. Review status: criteria provided, single submitter. Criteria: Invitae Variant Classification Sherloc (09022015). Collection method: clinical testing. Allele origin: germline.
Comment: This variant results in the deletion of part of exon 22 (c.2646+199_2739delinsTAT) of the SYNE2 gene. It is expected to disrupt RNA splicing. Variants that disrupt the donor or acceptor splice site typically lead to a loss of protein function (PMID: 16199547), however the current clinical and genetic evidence is not sufficient to establish whether loss-of-function variants in SYNE2 cause disease. In summary, the available evidence is currently insufficient to determine the role of this variant in disease. Therefore, it has been classified as a Variant of Uncertain Significance. This variant has not been reported in the literature in individuals affected with SYNE2-related conditions.

Literature cited by the submitters: PubMed 16199547.